The following is an entry in ClinVar:

ClinVar aggregate classification (germline): Uncertain significance (0 of 4 stars; one submission).

Conditions:
REN-related disorder. Also called: REN-related condition.

gnomAD v4.1: 52 of 1,606,020 alleles (0.0032%); highest among the groups gnomAD compares: Non-Finnish European, 0.0039%; no homozygotes.

Submission:

PreventionGenetics, part of Exact Sciences
Classification: Uncertain significance for REN-related condition. Last evaluated: 2024-05-31. Review status: no assertion criteria provided. Collection method: clinical testing. Allele origin: germline.
Comment: The REN c.364A>G variant is predicted to result in the amino acid substitution p.Thr122Ala. To our knowledge, this variant has not been reported in the literature. This variant is reported in 0.0018% of alleles in individuals of European (Non-Finnish) descent in gnomAD. At this time, the clinical significance of this variant is uncertain due to the absence of conclusive functional and genetic evidence.

NM_000537.4(REN):c.364A>G (p.Thr122Ala)

Gene: REN (renin; minus strand). Cytogenetic location: 1q32.1.
Variant type: single nucleotide variant.
Coding change: c.364A>G on transcript NM_000537.4 (MANE Select); coding-DNA position 364, A replaced by G.
Protein change: p.Thr122Ala; replaces threonine 122 with alanine.
Molecular consequence: missense variant.
Genome position (GRCh38, 1-based): chr1:204,161,301, T>C on the plus strand (A>G on the coding strand, the complement: REN is on the minus strand). VCF-style: chr1-204161301-T-C. GRCh37 (hg19) VCF-style: chr1-204130429-T-C.
Other names: short protein forms T122A.
Identifiers: ClinVar variation 3351744 (VCV003351744.1).